The following is an entry in ClinVar:

ClinVar aggregate classification (germline): Uncertain significance (1 of 4 stars; one submission).

gnomAD v4.1: 5 of 1,613,960 alleles (0.00031%); highest among the groups gnomAD compares: African/African-American, 0.0053%; no homozygotes.

Submission:

Labcorp Genetics (formerly Invitae), Labcorp
Classification: Uncertain significance. Last evaluated: 2024-11-05. Review status: criteria provided, single submitter. Criteria: Invitae Variant Classification Sherloc (09022015). Collection method: clinical testing. Allele origin: germline.
Comment: This sequence change replaces methionine, which is neutral and non-polar, with isoleucine, which is neutral and non-polar, at codon 631 of the RIPK1 protein (p.Met631Ile). This variant is present in population databases (rs768869095, gnomAD 0.007%). This variant has not been reported in the literature in individuals affected with RIPK1-related conditions. An algorithm developed to predict the effect of missense changes on protein structure and function (PolyPhen-2) suggests that this variant is likely to be disruptive. In summary, the available evidence is currently insufficient to determine the role of this variant in disease. Therefore, it has been classified as a Variant of Uncertain Significance.

NM_001354930.2(RIPK1):c.1893G>A (p.Met631Ile)

Gene: RIPK1 (receptor interacting serine/threonine kinase 1; plus strand). Cytogenetic location: 6p25.2.
Variant type: single nucleotide variant.
Coding change: c.1893G>A on transcript NM_001354930.2 (MANE Select); coding-DNA position 1893, G replaced by A.
Protein change: p.Met631Ile; replaces methionine 631 with isoleucine.
Molecular consequence: missense variant.
Genome position (GRCh38, 1-based): chr6:3,113,216, G>A. VCF-style: chr6-3113216-G-A. GRCh37 (hg19) VCF-style: chr6-3113450-G-A.
Other names: c.1404G>A, p.Met468Ile (NM_001317061.3, NM_001354932.2, NM_001354933.2 and 1 more transcripts); c.1755G>A, p.Met585Ile (NM_001354931.2); c.1893G>A, p.Met631Ile (NM_003804.6); short protein forms M585I, M468I, M631I.
Identifiers: ClinVar variation 3686067 (VCV003686067.2).